The following is an entry in ClinVar:

ClinVar aggregate classification (germline): Uncertain significance (1 of 4 stars; one submission).

gnomAD v4.1: 2 of 1,211,250 alleles (0.00017%); highest among the groups gnomAD compares: South Asian, 0.0018%; no homozygotes.

Submission:

GeneDx
Classification: Uncertain significance. Last evaluated: 2025-06-15. Review status: criteria provided, single submitter. Criteria: GeneDx Variant Classification Process June 2021. Collection method: clinical testing. Allele origin: germline. Affected: yes.
Comment: Not observed at significant frequency in large population cohorts (gnomAD); In silico analysis suggests that this missense variant does not alter protein structure/function; Has not been previously published as pathogenic or benign to our knowledge

NM_001257291.2(SLC9A7):c.463C>G (p.Leu155Val)

Gene: SLC9A7 (solute carrier family 9 member A7; minus strand). Cytogenetic location: Xp11.3.
Variant type: single nucleotide variant.
Coding change: c.463C>G on transcript NM_001257291.2 (MANE Select); coding-DNA position 463, C replaced by G.
Protein change: p.Leu155Val; replaces leucine 155 with valine.
Molecular consequence: missense variant.
Genome position (GRCh38, 1-based): chrX:46,682,398, G>C on the plus strand (C>G on the coding strand, the complement: SLC9A7 is on the minus strand). VCF-style: chrX-46682398-G-C. GRCh37 (hg19) VCF-style: chrX-46541833-G-C.
Other names: c.463C>G, p.Leu155Val (NM_032591.3); short protein forms L155V.
Identifiers: ClinVar variation 4537729 (VCV004537729.1).